The following is an entry in ClinVar:

ClinVar aggregate classification (germline): Likely benign. Review status: criteria provided, multiple submitters, no conflicts (2 of 4 stars). 3 submissions from 3 submitters: Likely benign (3). Last evaluated 2026-01-27.

Allele frequency attached by ClinVar (database versions not stated): TOPMed 0.00015; gnomAD exomes 0.00023; ExAC 0.00034.
gnomAD v4.1: 117 of 1,492,338 alleles (0.0078%); highest among the groups gnomAD compares: Middle Eastern, 0.095%; 1 homozygote.

Submissions (3):

Labcorp Genetics (formerly Invitae), Labcorp
Classification: Likely benign. Last evaluated: 2026-01-27. Review status: criteria provided, single submitter. Criteria: Invitae Variant Classification Sherloc (09022015). Collection method: clinical testing. Allele origin: germline.

Blueprint Genetics
Classification: Likely benign. Last evaluated: 2024-09-23. Review status: criteria provided, single submitter. Criteria: ACMG Guidelines, 2015. Collection method: clinical testing. Allele origin: germline.

CeGaT Center for Human Genetics Tuebingen
Classification: Likely benign. Last evaluated: 2023-06-01. Review status: criteria provided, single submitter. Criteria: CeGaT Center For Human Genetics Tuebingen Variant Classification Criteria Version 2. Collection method: clinical testing. Allele origin: germline. Affected: yes. Observed: 2 variant alleles.
Comment: TNFRSF11A: BP4, BP7

NM_003839.4(TNFRSF11A):c.1776C>T (p.Cys592=)

Gene: TNFRSF11A (TNF receptor superfamily member 11a; plus strand). Cytogenetic location: 18q21.33.
Variant type: single nucleotide variant.
Coding change: c.1776C>T on transcript NM_003839.4 (MANE Select); coding-DNA position 1776, C replaced by T.
Protein change: p.Cys592=; no amino-acid change (cysteine 592 retained).
Molecular consequence: synonymous variant. On other transcripts: 3 prime UTR variant (1).
Genome position (GRCh38, 1-based): chr18:62,384,959, C>T. VCF-style: chr18-62384959-C-T. GRCh37 (hg19) VCF-style: chr18-60052192-C-T.
Other names: c.*200C>T (NM_001270949.2); c.939C>T, p.Cys313= (NM_001270950.2); c.825C>T, p.Cys275= (NM_001270951.2); c.1734C>T, p.Cys578= (NM_001278268.2).
Identifiers: ClinVar variation 1578202 (VCV001578202.33), dbSNP rs769676947, ClinGen allele CA8984051.